The following is an entry in ClinVar:

NM_002234.4(KCNA5):c.1790G>A (p.Arg597Gln)

Gene: KCNA5 (potassium voltage-gated channel subfamily A member 5; plus strand). Cytogenetic location: 12p13.32.
Variant type: single nucleotide variant.
Coding change: c.1790G>A on transcript NM_002234.4 (MANE Select); coding-DNA position 1790, G replaced by A.
Protein change: p.Arg597Gln; replaces arginine 597 with glutamine.
Molecular consequence: missense variant.
Genome position (GRCh38, 1-based): chr12:5,045,937, G>A. VCF-style: chr12-5045937-G-A. GRCh37 (hg19) VCF-style: chr12-5155103-G-A.
Other names: short protein forms R597Q.
Identifiers: ClinVar variation 537308 (VCV000537308.39), dbSNP rs201342234, ClinGen allele CA6399950.
Genomic context (GRCh38, chr12:5,045,937, plus strand): 5'-GAAGGGGCAGCTGCCCCCTAGAGAAGTGTAACGTCAAGGCCAAGAGCAACGTGGACTTGC[G>A]GAGGTCCCTTTATGCCCTCTGCCTGGACACCAGCCGGGAAACAGATTTGTGAAAGGAGAT-3'
Protein context (NP_002225.2, residues 587-607): NVKAKSNVDL[Arg597Gln]RSLYALCLDT

ClinVar aggregate classification (germline): Conflicting classifications of pathogenicity. Review status: criteria provided, conflicting classifications (1 of 4 stars). 4 submissions from 4 submitters: Uncertain significance (2); Likely benign (2). Last evaluated 2026-01-27.

Conditions:
Atrial fibrillation, familial, 7 (ATFB7). Identifiers: MedGen C2677106, MONDO:0012828, OMIM 612240.

Allele frequency attached by ClinVar (database versions not stated): 1000 Genomes Project 0.00020; ExAC 0.00020; 1000 Genomes Project 30x 0.00031; ESP Exome Variant Server 0.00031; gnomAD 0.00033; TOPMed 0.00035; gnomAD exomes 0.00040.

Submissions (4):

Labcorp Genetics (formerly Invitae), Labcorp
Classification: Likely benign for Atrial fibrillation, familial, 7. Last evaluated: 2026-01-27. Review status: criteria provided, single submitter. Criteria: Invitae Variant Classification Sherloc (09022015). Collection method: clinical testing. Allele origin: germline.

Blueprint Genetics
Classification: Likely benign. Last evaluated: 2024-09-30. Review status: criteria provided, single submitter. Criteria: ACMG Guidelines, 2015. Collection method: clinical testing. Allele origin: germline.

CeGaT Center for Human Genetics Tuebingen
Classification: Uncertain significance. Last evaluated: 2023-12-01. Review status: criteria provided, single submitter. Criteria: CeGaT Center For Human Genetics Tuebingen Variant Classification Criteria Version 2. Collection method: clinical testing. Allele origin: germline. Affected: yes. Observed: 1 variant allele.

GeneDx
Classification: Uncertain significance. Last evaluated: 2021-10-25. Review status: criteria provided, single submitter. Criteria: GeneDx Variant Classification Process June 2021. Collection method: clinical testing. Allele origin: germline. Affected: yes.
Comment: Has not been previously published as pathogenic or benign to our knowledge; In silico analysis supports that this missense variant does not alter protein structure/function; Reported in ClinVar (ClinVar Variant ID# 537308)